The following is an entry in ClinVar:

NM_000548.5(TSC2):c.1158C>T (p.Asp386=)

Gene: TSC2 (TSC complex subunit 2; plus strand). Cytogenetic location: 16p13.3.
Variant type: single nucleotide variant.
Coding change: c.1158C>T on transcript NM_000548.5 (MANE Select); coding-DNA position 1158, C replaced by T.
Protein change: p.Asp386=; no amino-acid change (aspartic acid 386 retained).
Molecular consequence: synonymous variant.
Genome position (GRCh38, 1-based): chr16:2,061,909, C>T. VCF-style: chr16-2061909-C-T. GRCh37 (hg19) VCF-style: chr16-2111910-C-T.
Other names: c.1158C>T, p.Asp386= (NM_001077183.3, NM_001114382.3, NM_001363528.2 and 3 more transcripts); c.1047C>T, p.Asp349= (NM_001318827.2); c.1011C>T, p.Asp337= (NM_001318829.2); c.558C>T, p.Asp186= (NM_001318831.2); c.1191C>T, p.Asp397= (NM_001318832.2).
Identifiers: ClinVar variation 1551526 (VCV001551526.9), dbSNP rs2151154909, ClinGen allele CA492961780.

ClinVar aggregate classification (germline): Benign/Likely benign. Review status: criteria provided, multiple submitters, no conflicts (2 of 4 stars). 2 submissions from 2 submitters: Benign (1); Likely benign (1). Last evaluated 2025-05-13.

Conditions:
Tuberous sclerosis 2 (TSC2). Identifiers: Orphanet 805, MedGen C1860707, MONDO:0013199, OMIM 613254.

Submissions (2):

Myriad Genetics, Inc.
Classification: Benign for Tuberous sclerosis 2. Last evaluated: 2025-05-13. Review status: criteria provided, single submitter. Criteria: Myriad Autosomal Dominant, Autosomal Recessive and X-Linked Classification Criteria (2023). Collection method: clinical testing. Allele origin: unknown.
Comment: This variant is considered benign. This variant is a silent/synonymous amino acid change and it is not expected to impact splicing.

Labcorp Genetics (formerly Invitae), Labcorp
Classification: Likely benign for Tuberous sclerosis 2. Last evaluated: 2021-06-13. Review status: criteria provided, single submitter. Criteria: Invitae Variant Classification Sherloc (09022015). Collection method: clinical testing. Allele origin: germline.